The following is an entry in ClinVar:

NM_003476.5(CSRP3):c.553G>A (p.Gly185Ser)

Gene: CSRP3 (cysteine and glycine rich protein 3; minus strand). Cytogenetic location: 11p15.1.
Variant type: single nucleotide variant.
Coding change: c.553G>A on transcript NM_003476.5 (MANE Select); coding-DNA position 553, G replaced by A.
Protein change: p.Gly185Ser; replaces glycine 185 with serine.
Molecular consequence: missense variant. On other transcripts: synonymous variant (1).
Genome position (GRCh38, 1-based): chr11:19,182,702, C>T on the plus strand (G>A on the coding strand, the complement: CSRP3 is on the minus strand). VCF-style: chr11-19182702-C-T. GRCh37 (hg19) VCF-style: chr11-19204249-C-T.
Other names: c.553G>A, p.Gly185Ser (NM_001127656.1); c.384G>A, p.Glu128= (NM_001369404.1); short protein forms G185S.
Identifiers: ClinVar variation 2000089 (VCV002000089.4), dbSNP rs2494214690, ClinGen allele CA379887504.

ClinVar aggregate classification (germline): Uncertain significance (1 of 4 stars; one submission).

Conditions:
Dilated cardiomyopathy 1M (CMD1M). Identifiers: Orphanet 154, MedGen C1843808, MONDO:0011840, OMIM 607482.
Hypertrophic cardiomyopathy 12. Identifiers: MedGen C2677491, MONDO:0012804, OMIM 612124.

Allele frequency attached by ClinVar (database versions not stated): gnomAD exomes below 0.00001.
gnomAD v4.1: 1 of 1,614,152 alleles (0.000062%); highest among the groups gnomAD compares: Non-Finnish European, 0.000085%; no homozygotes.

Submission:

Labcorp Genetics (formerly Invitae), Labcorp
Classification: Uncertain significance for Hypertrophic cardiomyopathy 12; Dilated cardiomyopathy 1M. Last evaluated: 2022-05-28. Review status: criteria provided, single submitter. Criteria: Invitae Variant Classification Sherloc (09022015). Collection method: clinical testing. Allele origin: germline.
Comment: Algorithms developed to predict the effect of missense changes on protein structure and function (SIFT, PolyPhen-2, Align-GVGD) all suggest that this variant is likely to be tolerated. In summary, the available evidence is currently insufficient to determine the role of this variant in disease. Therefore, it has been classified as a Variant of Uncertain Significance. This sequence change replaces glycine, which is neutral and non-polar, with serine, which is neutral and polar, at codon 185 of the CSRP3 protein (p.Gly185Ser). This variant is not present in population databases (gnomAD no frequency). This variant has not been reported in the literature in individuals affected with CSRP3-related conditions.